The following is an entry in ClinVar:

NM_001077418.3(TMEM231):c.927C>A (p.Asp309Glu)

Gene: TMEM231 (transmembrane protein 231; minus strand). Cytogenetic location: 16q23.1.
Variant type: single nucleotide variant.
Coding change: c.927C>A on transcript NM_001077418.3 (MANE Select); coding-DNA position 927, C replaced by A.
Protein change: p.Asp309Glu; replaces aspartic acid 309 with glutamic acid.
Molecular consequence: missense variant. On other transcripts: non-coding transcript variant (1).
Genome position (GRCh38, 1-based): chr16:75,540,018, G>T on the plus strand (C>A on the coding strand, the complement: TMEM231 is on the minus strand). VCF-style: chr16-75540018-G-T. GRCh37 (hg19) VCF-style: chr16-75573916-G-T.
Other names: c.1086C>A, p.Asp362Glu (NM_001077416.2); short protein forms D309E, D362E.
Identifiers: ClinVar variation 786835 (VCV000786835.36), dbSNP rs186119649, ClinGen allele CA8175991.

ClinVar aggregate classification (germline): Benign/Likely benign. Review status: criteria provided, multiple submitters, no conflicts (2 of 4 stars). 6 submissions from 6 submitters: Benign (1); Likely benign (5). Last evaluated 2024-11-25.

Conditions:
Joubert syndrome 20 (JBTS20). Identifiers: Orphanet 475, MedGen C3554235, MONDO:0013994, OMIM 614970.
Meckel syndrome, type 11 (MKS11). Identifiers: Orphanet 564, MedGen C3809352, MONDO:0014164, OMIM 615397.

Allele frequency attached by ClinVar (database versions not stated): 1000 Genomes Project 0.00120; ESP Exome Variant Server 0.00140; 1000 Genomes Project 30x 0.00141; TOPMed 0.00173; gnomAD 0.00179; ExAC 0.00198.
gnomAD v4.1: 3,534 of 1,612,506 alleles (0.22%); highest among the groups gnomAD compares: Non-Finnish European, 0.26%; 12 homozygotes.

Submissions (6):

Blueprint Genetics
Classification: Likely benign. Last evaluated: 2024-11-25. Review status: criteria provided, single submitter. Criteria: ACMG Guidelines, 2015. Collection method: clinical testing. Allele origin: germline.

CeGaT Center for Human Genetics Tuebingen
Classification: Likely benign. Last evaluated: 2024-08-01. Review status: criteria provided, single submitter. Criteria: CeGaT Center For Human Genetics Tuebingen Variant Classification Criteria Version 2. Collection method: clinical testing. Allele origin: germline. Affected: yes. Observed: 3 variant alleles.
Comment: TMEM231: BP4, BS2

Department of Pathology and Laboratory Medicine, Sinai Health System
Classification: Benign for Joubert syndrome 20; Meckel syndrome, type 11. Last evaluated: 2021-07-30. Review status: criteria provided, single submitter. Criteria: ACMG Guidelines, 2015. Collection method: research. Allele origin: germline.

GeneDx
Classification: Likely benign. Last evaluated: 2021-02-03. Review status: criteria provided, single submitter. Criteria: GeneDx Variant Classification Process June 2021. Collection method: clinical testing. Allele origin: germline. Affected: yes.

Labcorp Genetics (formerly Invitae), Labcorp
Classification: Likely benign for Joubert syndrome 20; Meckel syndrome, type 11. Last evaluated: 2019-12-31. Review status: criteria provided, single submitter. Criteria: Invitae Variant Classification Sherloc (09022015). Collection method: clinical testing. Allele origin: germline.

Breakthrough Genomics
Classification: Likely benign. Review status: criteria provided, single submitter. Criteria: ACMG Guidelines, 2015. Collection method: not provided. Allele origin: germline. Inheritance: Autosomal recessive inheritance. Affected: yes.